The following is an entry in ClinVar:

NM_014053.4(FLVCR1):c.947del (p.Pro316fs)

Gene: FLVCR1 (FLVCR choline and heme transporter 1; plus strand). Cytogenetic location: 1q32.3.
Variant type: Deletion.
Coding change: c.947del on transcript NM_014053.4 (MANE Select); coding-DNA position 947, one base deleted (C; older notation c.947delC).
Protein change: p.Pro316fs; shifts the reading frame from proline 316.
Molecular consequence: frameshift variant.
Genome position (GRCh38, 1-based): chr1:212,872,741, C deleted; the last of 5 consecutive C bases (chr1:212,872,737-212,872,741); deleting any one gives the same sequence. VCF-style (leftmost placement, unchanged base first): chr1-212872736-TC-T. GRCh37 (hg19) VCF-style: chr1-213046078-TC-T.
Other names: short protein forms P316fs.
Identifiers: ClinVar variation 1457358 (VCV001457358.6), dbSNP rs2102551463, ClinGen allele CA2573131650.

ClinVar aggregate classification (germline): Pathogenic (1 of 4 stars; one submission).

Submission:

Labcorp Genetics (formerly Invitae), Labcorp
Classification: Pathogenic. Last evaluated: 2022-06-27. Review status: criteria provided, single submitter. Criteria: Invitae Variant Classification Sherloc (09022015). Collection method: clinical testing. Allele origin: germline.
Comment: This variant is not present in population databases (gnomAD no frequency). This sequence change creates a premature translational stop signal (p.Pro316Leufs*10) in the FLVCR1 gene. It is expected to result in an absent or disrupted protein product. Loss-of-function variants in FLVCR1 are known to be pathogenic (PMID: 23591405, 27923065). This variant has not been reported in the literature in individuals affected with FLVCR1-related conditions. For these reasons, this variant has been classified as Pathogenic.

Literature cited by the submitters: PubMed 23591405; PubMed 27923065.